The following is an entry in ClinVar:

ClinVar aggregate classification (germline): Conflicting classifications of pathogenicity. Review status: criteria provided, conflicting classifications (1 of 4 stars). 4 submissions from 4 submitters: Uncertain significance (3); Likely benign (1). Last evaluated 2026-04-29.

Conditions:
Hereditary breast ovarian cancer syndrome. Also called: Hereditary breast and ovarian cancer; Breast and ovarian cancer; Hereditary breast and/or ovarian cancer syndrome; Hereditary breast and ovarian cancer syndrome; Hereditary breast and ovarian cancer syndrome (HBOC); BRCA1- and BRCA2-Associated Hereditary Breast and Ovarian Cancer. Identifiers: Orphanet 145, MedGen C0677776, MeSH D061325, MONDO:0003582. Disease mechanism: loss of function.
Hereditary cancer-predisposing syndrome. Also called: Tumor predisposition; Neoplastic Syndromes, Hereditary; Hereditary Cancer Syndrome; Hereditary neoplastic syndrome. Identifiers: Orphanet 140162, MedGen C0027672, MeSH D009386, MONDO:0015356.
Breast-ovarian cancer, familial, susceptibility to, 2 (BROVCA2). Also called: BRCA2 Hereditary Breast and Ovarian Cancer. Identifiers: Orphanet 145, MedGen C2675520, MONDO:0012933, OMIM 612555. Disease mechanism: loss of function.

Allele frequency attached by ClinVar (database versions not stated): gnomAD 0.00001.
gnomAD v4.1: 1 of 1,611,312 alleles (0.000062%); highest among the groups gnomAD compares: Non-Finnish European, 0.000085%; no homozygotes.

Submissions (4):

Ambry Genetics
Classification: Uncertain significance for Hereditary cancer-predisposing syndrome. Last evaluated: 2026-04-29. Review status: criteria provided, single submitter. Criteria: Ambry Variant Classification Scheme 2023. Collection method: clinical testing. Allele origin: germline.
Comment: The p.S344F variant (also known as c.1031C>T), located in coding exon 9 of the BRCA2 gene, results from a C to T substitution at nucleotide position 1031. The serine at codon 344 is replaced by phenylalanine, an amino acid with highly dissimilar properties. This amino acid position is not well conserved in available vertebrate species. In addition, this alteration is predicted to be tolerated by in silico analysis. Based on the available evidence, the clinical significance of this variant remains unclear.

All of Us Research Program, National Institutes of Health
Classification: Uncertain significance for Breast-ovarian cancer, familial, susceptibility to, 2. Last evaluated: 2023-03-23. Review status: criteria provided, single submitter. Criteria: ACMG Guidelines, 2015. Collection method: clinical testing. Allele origin: germline. Inheritance: Autosomal dominant inheritance. Observed: 1 variant allele, 1 heterozygote.
Comment: This missense variant replaces serine with phenylalanine at codon 344 of the BRCA2 protein. Computational prediction suggests that this variant may not impact protein structure and function (internally defined REVEL score threshold <= 0.5, PMID: 27666373). To our knowledge, functional studies have not been reported for this variant. This variant has not been reported in individuals affected with BRCA2-related disorders in the literature. This variant has not been identified in the general population by the Genome Aggregation Database (gnomAD). The available evidence is insufficient to determine the role of this variant in disease conclusively. Therefore, this variant is classified as a Variant of Uncertain Significance.

This study involves interpretation of variants in research participants for the purpose of population health screening. Participant phenotype was not available at the time of variant classification. Additional details can be found in publication PMID: 35346344, PMCID: PMC8962531

University of Washington Department of Laboratory Medicine, University of Washington
Classification: Likely benign for Hereditary cancer-predisposing syndrome. Last evaluated: 2023-03-23. Review status: criteria provided, single submitter. Criteria: Dines et al. (Genet Med. 2020). Collection method: curation. Allele origin: germline.
Comment: Missense variant in a coldspot region where missense variants are very unlikely to be pathogenic (PMID:31911673).

BRCA2 exon 10 coldspot. Reclassification based on statistical prior probability.

Labcorp Genetics (formerly Invitae), Labcorp
Classification: Uncertain significance for Hereditary breast ovarian cancer syndrome. Last evaluated: 2021-07-08. Review status: criteria provided, single submitter. Criteria: Invitae Variant Classification Sherloc (09022015). Collection method: clinical testing. Allele origin: germline.
Comment: This sequence change replaces serine with phenylalanine at codon 344 of the BRCA2 protein (p.Ser344Phe). The serine residue is weakly conserved and there is a large physicochemical difference between serine and phenylalanine. This variant is not present in population databases (ExAC no frequency). This variant has not been reported in the literature in individuals affected with BRCA2-related conditions. Advanced modeling of protein sequence and biophysical properties (such as structural, functional, and spatial information, amino acid conservation, physicochemical variation, residue mobility, and thermodynamic stability) performed at Invitae indicates that this missense variant is not expected to disrupt BRCA2 protein function. In summary, the available evidence is currently insufficient to determine the role of this variant in disease. Therefore, it has been classified as a Variant of Uncertain Significance.

NM_000059.4(BRCA2):c.1031C>T (p.Ser344Phe)

Gene: BRCA2 (BRCA2 DNA repair associated; plus strand). Cytogenetic location: 13q13.1.
Variant type: single nucleotide variant.
Coding change: c.1031C>T on transcript NM_000059.4 (MANE Select); coding-DNA position 1031, C replaced by T.
Protein change: p.Ser344Phe; replaces serine 344 with phenylalanine.
Molecular consequence: missense variant.
Genome position (GRCh38, 1-based): chr13:32,332,509, C>T. VCF-style: chr13-32332509-C-T. GRCh37 (hg19) VCF-style: chr13-32906646-C-T.
Other names: c.1031C>T (NM_000059.3); short protein forms S344F.
Identifiers: ClinVar variation 1468616 (VCV001468616.11), dbSNP rs1593891776, ClinGen allele CA387761171.
Genomic context (GRCh38, chr13:32,332,509, plus strand): 5'-GAACTAGCAAGACTAGGAAAAAAATTTTCCATGAAGCAAACGCTGATGAATGTGAAAAAT[C>T]TAAAAACCAAGTGAAAGAAAAATACTCATTTGTATCTGAAGTGGAACCAAATGATACTGA-3'
Protein context (NP_000050.3, residues 334-354): HEANADECEK[Ser344Phe]KNQVKEKYSF